The following is an entry in ClinVar:

NM_016247.4(IMPG2):c.1418G>C (p.Ser473Thr)

Gene: IMPG2 (interphotoreceptor matrix proteoglycan 2; minus strand). Cytogenetic location: 3q12.3.
Variant type: single nucleotide variant.
Coding change: c.1418G>C on transcript NM_016247.4 (MANE Select); coding-DNA position 1418, G replaced by C.
Protein change: p.Ser473Thr; replaces serine 473 with threonine.
Molecular consequence: missense variant.
Genome position (GRCh38, 1-based): chr3:101,245,927, C>G on the plus strand (G>C on the coding strand, the complement: IMPG2 is on the minus strand). VCF-style: chr3-101245927-C-G. GRCh37 (hg19) VCF-style: chr3-100964771-C-G.
Other names: short protein forms S473T.
Identifiers: ClinVar variation 1487471 (VCV001487471.5), dbSNP rs1388030722, ClinGen allele CA353862508.

ClinVar aggregate classification (germline): Uncertain significance (1 of 4 stars; one submission).

Allele frequency attached by ClinVar (database versions not stated): gnomAD exomes 0.00001 and 0.00012; TOPMed 0.00002; gnomAD 0.00003.
gnomAD v4.1: 173 of 1,614,058 alleles (0.011%); highest among the groups gnomAD compares: Non-Finnish European, 0.015%; no homozygotes.

Submission:

Labcorp Genetics (formerly Invitae), Labcorp
Classification: Uncertain significance. Last evaluated: 2022-06-20. Review status: criteria provided, single submitter. Criteria: Invitae Variant Classification Sherloc (09022015). Collection method: clinical testing. Allele origin: germline.
Comment: This sequence change replaces serine, which is neutral and polar, with threonine, which is neutral and polar, at codon 473 of the IMPG2 protein (p.Ser473Thr). This variant is present in population databases (no rsID available, gnomAD 0.003%). This variant has not been reported in the literature in individuals affected with IMPG2-related conditions. Algorithms developed to predict the effect of missense changes on protein structure and function output the following: SIFT: "Tolerated"; PolyPhen-2: "Benign"; Align-GVGD: "Class C0". The threonine amino acid residue is found in multiple mammalian species, which suggests that this missense change does not adversely affect protein function. In summary, the available evidence is currently insufficient to determine the role of this variant in disease. Therefore, it has been classified as a Variant of Uncertain Significance.